The following is an entry in ClinVar:

ClinVar aggregate classification (germline): Likely benign. Review status: criteria provided, multiple submitters, no conflicts (2 of 4 stars). 3 submissions from 3 submitters: Likely benign (2). 1 of the submissions does not count toward it. Last evaluated 2025-10-11.

Conditions:
MET-related disorder. Also called: MET-related condition.
Renal cell carcinoma. Identifiers: Orphanet 217071, MedGen C0007134, MeSH D002292, MONDO:0005086, HP:0005584.
Hereditary cancer-predisposing syndrome. Also called: Neoplastic Syndromes, Hereditary; Hereditary neoplastic syndrome; Tumor predisposition; Hereditary Cancer Syndrome. Identifiers: Orphanet 140162, MedGen C0027672, MeSH D009386, MONDO:0015356.

Allele frequency attached by ClinVar (database versions not stated): gnomAD exomes 0.00001; ExAC 0.00002; TOPMed 0.00002; gnomAD 0.00004.

Submissions (3):

Labcorp Genetics (formerly Invitae), Labcorp
Classification: Likely benign for Renal cell carcinoma. Last evaluated: 2025-10-11. Review status: criteria provided, single submitter. Criteria: Invitae Variant Classification Sherloc (09022015). Collection method: clinical testing. Allele origin: germline.

Ambry Genetics
Classification: Likely benign for Hereditary cancer-predisposing syndrome. Last evaluated: 2024-03-13. Review status: criteria provided, single submitter. Criteria: Ambry Variant Classification Scheme 2023. Collection method: clinical testing. Allele origin: germline.

PreventionGenetics, part of Exact Sciences
Classification: Likely benign for MET-related condition. Last evaluated: 2024-09-19. Review status: no assertion criteria provided. Collection method: clinical testing. Allele origin: germline. Not counted in ClinVar's aggregate classification.
Comment: This variant is classified as likely benign based on ACMG/AMP sequence variant interpretation guidelines (Richards et al. 2015 PMID: 25741868, with internal and published modifications).

NM_000245.4(MET):c.1030G>A (p.Gly344Arg)

Gene: MET (MET proto-oncogene, receptor tyrosine kinase; plus strand). Cytogenetic location: 7q31.2.
Variant type: single nucleotide variant.
Coding change: c.1030G>A on transcript NM_000245.4 (MANE Select); coding-DNA position 1030, G replaced by A.
Protein change: p.Gly344Arg; replaces glycine 344 with arginine.
Molecular consequence: missense variant. On other transcripts: intron variant (1).
Genome position (GRCh38, 1-based): chr7:116,700,114, G>A. VCF-style: chr7-116700114-G-A. GRCh37 (hg19) VCF-style: chr7-116340168-G-A.
Other names: c.1030G>A, p.Gly344Arg (NM_001127500.3, NM_001324401.3); c.-91+27537G>A (NM_001324402.2); c.1030G>A (NM_001127500.2); short protein forms G344R.
Identifiers: ClinVar variation 524857 (VCV000524857.13), dbSNP rs761768345, ClinGen allele CA4448058.